The following is an entry in ClinVar:

NM_002838.5(PTPRC):c.3517T>G (p.Ser1173Ala)

Gene: PTPRC (protein tyrosine phosphatase receptor type C; plus strand). Cytogenetic location: 1q32.1.
Variant type: single nucleotide variant.
Coding change: c.3517T>G on transcript NM_002838.5 (MANE Select); coding-DNA position 3517, T replaced by G.
Protein change: p.Ser1173Ala; replaces serine 1173 with alanine.
Molecular consequence: missense variant.
Genome position (GRCh38, 1-based): chr1:198,754,276, T>G. VCF-style: chr1-198754276-T-G. GRCh37 (hg19) VCF-style: chr1-198723405-T-G.
Other names: c.3034T>G, p.Ser1012Ala (NM_080921.4); c.3511T>G (NM_002838.3); short protein forms S1012A, S1173A.
Identifiers: ClinVar variation 1044446 (VCV001044446.9), dbSNP rs772354314, ClinGen allele CA1315480.

ClinVar aggregate classification (germline): Uncertain significance. Review status: criteria provided, multiple submitters, no conflicts (2 of 4 stars). 2 submissions from 2 submitters: Uncertain significance (2). Last evaluated 2024-12-09.

Conditions:
Inborn genetic diseases. Identifiers: MedGen C0950123, MeSH D030342.
Immunodeficiency 104. Also called: IMMUNODEFICIENCY 104, SEVERE COMBINED; Severe combined immunodeficiency, autosomal recessive, T cell-negative, B cell-positive, NK cell-positive; SCID, AUTOSOMAL RECESSIVE, T CELL-NEGATIVE, B CELL-POSITIVE, NK CELL-POSITIVE; Severe Combined Immune Deficiency, Autosomal Recessive, TCell -Negative, B Cell-Positive, NK Cell-Positive, IL7R-Related. Identifiers: MedGen C5676890, MONDO:0012163, OMIM 608971.

Allele frequency attached by ClinVar (database versions not stated): gnomAD exomes below 0.00001 and 0.00001; ExAC 0.00001.
gnomAD v4.1: 5 of 1,609,708 alleles (0.00031%); highest among the groups gnomAD compares: South Asian, 0.0055%; no homozygotes.

Submissions (2):

Labcorp Genetics (formerly Invitae), Labcorp
Classification: Uncertain significance for Immunodeficiency 104. Last evaluated: 2024-12-09. Review status: criteria provided, single submitter. Criteria: Invitae Variant Classification Sherloc (09022015). Collection method: clinical testing. Allele origin: germline.
Comment: This sequence change replaces serine, which is neutral and polar, with alanine, which is neutral and non-polar, at codon 1173 of the PTPRC protein (p.Ser1173Ala). This variant is present in population databases (rs772354314, gnomAD 0.006%). This variant has not been reported in the literature in individuals affected with PTPRC-related conditions. ClinVar contains an entry for this variant (Variation ID: 1044446). An algorithm developed to predict the effect of missense changes on protein structure and function outputs the following: PolyPhen-2: "Benign". The alanine amino acid residue is found in multiple mammalian species, which suggests that this missense change does not adversely affect protein function. In summary, the available evidence is currently insufficient to determine the role of this variant in disease. Therefore, it has been classified as a Variant of Uncertain Significance.

Ambry Genetics
Classification: Uncertain significance for Inborn genetic diseases. Last evaluated: 2024-05-20. Review status: criteria provided, single submitter. Criteria: Ambry Variant Classification Scheme 2023. Collection method: clinical testing. Allele origin: germline.